The following is an entry in ClinVar:

ClinVar aggregate classification (germline): Uncertain significance. Review status: criteria provided, multiple submitters, no conflicts (2 of 4 stars). 5 submissions from 5 submitters: Uncertain significance (5). Last evaluated 2025-11-25.

Conditions:
Hereditary cancer-predisposing syndrome. Also called: Hereditary Cancer Syndrome; Hereditary neoplastic syndrome; Neoplastic Syndromes, Hereditary; Tumor predisposition. Identifiers: Orphanet 140162, MedGen C0027672, MeSH D009386, MONDO:0015356.
Colorectal cancer, susceptibility to, 12 (CRCS12). Also called: COLORECTAL CANCER, SUSCEPTIBILITY TO, ON CHROMOSOME 12q24. Identifiers: Orphanet 220460, MedGen C3554460, MONDO:0014038, OMIM 615083.

Allele frequency attached by ClinVar (database versions not stated): gnomAD 0.00001 and 0.00002; TOPMed 0.00001; gnomAD exomes 0.00002 and 0.00004; ExAC 0.00007; 1000 Genomes Project 0.00020; 1000 Genomes Project 30x 0.00031.
gnomAD v4.1: 34 of 1,613,902 alleles (0.0021%); highest among the groups gnomAD compares: East Asian, 0.0022%; no homozygotes.

Submissions (5):

Labcorp Genetics (formerly Invitae), Labcorp
Classification: Uncertain significance. Last evaluated: 2025-11-25. Review status: criteria provided, single submitter. Criteria: Invitae Variant Classification Sherloc (09022015). Collection method: clinical testing. Allele origin: germline.
Comment: This sequence change replaces serine, which is neutral and polar, with leucine, which is neutral and non-polar, at codon 988 of the POLE protein (p.Ser988Leu). This variant is present in population databases (rs138391248, gnomAD 0.01%). This variant has not been reported in the literature in individuals affected with POLE-related conditions. ClinVar contains an entry for this variant (Variation ID: 405581). Invitae Evidence Modeling of protein sequence and biophysical properties (such as structural, functional, and spatial information, amino acid conservation, physicochemical variation, residue mobility, and thermodynamic stability) indicates that this missense variant is expected to disrupt POLE protein function with a positive predictive value of 80%. In summary, the available evidence is currently insufficient to determine the role of this variant in disease. Therefore, it has been classified as a Variant of Uncertain Significance.

Ambry Genetics
Classification: Uncertain significance for Hereditary cancer-predisposing syndrome. Last evaluated: 2024-12-12. Review status: criteria provided, single submitter. Criteria: Ambry Variant Classification Scheme 2023. Collection method: clinical testing. Allele origin: germline.
Comment: The p.S988L variant (also known as c.2963C>T), located in coding exon 25 of the POLE gene, results from a C to T substitution at nucleotide position 2963. The serine at codon 988 is replaced by leucine, an amino acid with dissimilar properties. This amino acid position is highly conserved in available vertebrate species. In addition, the in silico prediction for this alteration is inconclusive. Based on the available evidence, the clinical significance of this variant remains unclear.

GeneDx
Classification: Uncertain significance. Last evaluated: 2024-04-23. Review status: criteria provided, single submitter. Criteria: GeneDx Variant Classification Process June 2021. Collection method: clinical testing. Allele origin: germline. Affected: yes.
Comment: In silico analysis supports that this missense variant has a deleterious effect on protein structure/function; Has not been previously published as pathogenic or benign to our knowledge

Laboratorio de Genetica e Diagnostico Molecular, Hospital Israelita Albert Einstein
Classification: Uncertain significance for Colorectal cancer, susceptibility to, 12. Last evaluated: 2022-08-17. Review status: criteria provided, single submitter. Criteria: ACMG Guidelines, 2015. Collection method: clinical testing. Allele origin: germline. Affected: yes. Observed: 1 variant allele.
Comment: ACMG classification criteria: PM2 supporting

Clinical Genetics Laboratory, Skane University Hospital Lund
Classification: Uncertain significance. Last evaluated: 2022-07-12. Review status: criteria provided, single submitter. Criteria: ACMG Guidelines, 2015. Collection method: clinical testing. Allele origin: germline. Affected: yes.

NM_006231.4(POLE):c.2963C>T (p.Ser988Leu)

Gene: POLE (DNA polymerase epsilon, catalytic subunit; minus strand). Cytogenetic location: 12q24.33.
Variant type: single nucleotide variant.
Coding change: c.2963C>T on transcript NM_006231.4 (MANE Select); coding-DNA position 2963, C replaced by T.
Protein change: p.Ser988Leu; replaces serine 988 with leucine.
Molecular consequence: missense variant.
Genome position (GRCh38, 1-based): chr12:132,661,066, G>A on the plus strand (C>T on the coding strand, the complement: POLE is on the minus strand). VCF-style: chr12-132661066-G-A. GRCh37 (hg19) VCF-style: chr12-133237652-G-A.
Other names: short protein forms S988L.
Identifiers: ClinVar variation 405581 (VCV000405581.16), dbSNP rs138391248, ClinGen allele CA6893396.